The following is an entry in ClinVar:

ClinVar aggregate classification (germline): Pathogenic (1 of 4 stars; one submission).

Submission:

GeneDx
Classification: Pathogenic. Last evaluated: 2016-12-13. Review status: criteria provided, single submitter. Criteria: GeneDx Variant Classification (06012015). Collection method: clinical testing. Allele origin: germline. Affected: yes.
Comment: The c.1183_1190dupCCACCACC pathogenic variant in the WAS gene causes a frameshift starting with codon Proline 398, changes this amino acid to a Histidine residue and creates a premature Stop codon at position 50 of the new reading frame, denoted p.Pro398HisfsX50. This pathogenic variant is predicted to cause loss of normal protein function either through protein truncation or nonsense-mediated mRNA decay. Additionally, the variant was not observed in approximately 6,500 individuals of European and African American ancestry in the NHLBI Exome Sequencing Project, indicating it is not a common benign variant in these populations. Although this pathogenic variant has not been previously reported to our knowledge, its presence is consistent with the diagnosis of a WAS-related disorder.

NM_000377.3(WAS):c.1183_1190dup (p.Pro398fs)

Gene: WAS (WASP actin nucleation promoting factor; plus strand). Cytogenetic location: Xp11.23.
Variant type: Duplication.
Coding change: c.1183_1190dup on transcript NM_000377.3 (MANE Select); coding-DNA positions 1183 to 1190, 8 bases duplicated (CCACCACC; older notation c.1183_1190dupCCACCACC).
Protein change: p.Pro398fs; shifts the reading frame from proline 398.
Molecular consequence: frameshift variant.
Genome position (GRCh38, 1-based): chrX:48,688,911-48,688,918, CCACCACC duplicated. VCF-style (leftmost placement, unchanged base first): chrX-48688910-A-ACCACCACC. GRCh37 (hg19) VCF-style: chrX-48547299-A-ACCACCACC.
Other names: c.1183_1190dupCCACCACC (NM_000377.2); short protein forms P398fs.
Identifiers: ClinVar variation 373820 (VCV000373820.2), dbSNP rs1057518633, ClinGen allele CA16043275.